The following is an entry in ClinVar:

ClinVar aggregate classification (germline): Likely benign. Review status: criteria provided, multiple submitters, no conflicts (2 of 4 stars). 2 submissions from 2 submitters: Likely benign (2). Last evaluated 2025-08-04.

Conditions:
POLD1-related polyposis and colorectal cancer syndrome (CRCS10). Also called: Colorectal cancer 10; COLORECTAL CANCER, SUSCEPTIBILITY TO, ON CHROMOSOME 19q; Colorectal cancer, susceptibility to, 10. Identifiers: Orphanet 220460, MedGen C2675481, MONDO:0012953, OMIM 612591.

Allele frequency attached by ClinVar (database versions not stated): gnomAD exomes below 0.00001; gnomAD 0.00001.
gnomAD v4.1: 2 of 1,613,414 alleles (0.00012%); highest among the groups gnomAD compares: Non-Finnish European, 0.00017%; no homozygotes.

Submissions (2):

Labcorp Genetics (formerly Invitae), Labcorp
Classification: Likely benign for POLD1-related polyposis and colorectal cancer syndrome. Last evaluated: 2025-08-04. Review status: criteria provided, single submitter. Criteria: Invitae Variant Classification Sherloc (09022015). Collection method: clinical testing. Allele origin: germline.

GeneDx
Classification: Likely benign. Last evaluated: 2017-03-03. Review status: criteria provided, single submitter. Criteria: GeneDx Variant Classification (06012015). Collection method: clinical testing. Allele origin: germline. Affected: yes.
Comment: This variant is considered likely benign or benign based on one or more of the following criteria: it is a conservative change, it occurs at a poorly conserved position in the protein, it is predicted to be benign by multiple in silico algorithms, and/or has population frequency not consistent with disease.

NM_002691.4(POLD1):c.2007-7C>T

Gene: POLD1 (DNA polymerase delta 1, catalytic subunit; plus strand). Cytogenetic location: 19q13.33.
Variant type: single nucleotide variant.
Coding change: c.2007-7C>T on transcript NM_002691.4 (MANE Select); 7 bases into the intron before coding-DNA position 2007, C replaced by T.
Molecular consequence: intron variant.
Genome position (GRCh38, 1-based): chr19:50,409,512, C>T. VCF-style: chr19-50409512-C-T. GRCh37 (hg19) VCF-style: chr19-50912769-C-T.
Other names: c.2007-7C>T (NM_001256849.1, LRG_785t1); c.2085-7C>T (NM_001308632.1, LRG_785t2).
Identifiers: ClinVar variation 507862 (VCV000507862.8), dbSNP rs1555791969, ClinGen allele CA658799306.